The following is an entry in ClinVar:

ClinVar aggregate classification (germline): Uncertain significance. Review status: criteria provided, multiple submitters, no conflicts (2 of 4 stars). 2 submissions from 2 submitters: Uncertain significance (2). Last evaluated 2025-06-27.

Conditions:
Bloom syndrome (BLM). Also called: Bloom-Torre-Machacek syndrome. Identifiers: Orphanet 125, MedGen C0005859, MONDO:0008876, OMIM 210900.
Hereditary cancer-predisposing syndrome. Also called: Neoplastic Syndromes, Hereditary; Tumor predisposition; Hereditary neoplastic syndrome; Hereditary Cancer Syndrome. Identifiers: Orphanet 140162, MedGen C0027672, MeSH D009386, MONDO:0015356.

gnomAD v4.1: 1 of 1,613,982 alleles (0.000062%); no homozygotes.

Submissions (2):

Labcorp Genetics (formerly Invitae), Labcorp
Classification: Uncertain significance for Bloom syndrome. Last evaluated: 2025-06-27. Review status: criteria provided, single submitter. Criteria: Invitae Variant Classification Sherloc (09022015). Collection method: clinical testing. Allele origin: germline.
Comment: This sequence change replaces glycine, which is neutral and non-polar, with glutamic acid, which is acidic and polar, at codon 478 of the BLM protein (p.Gly478Glu). This variant is not present in population databases (gnomAD no frequency). This variant has not been reported in the literature in individuals affected with BLM-related conditions. ClinVar contains an entry for this variant (Variation ID: 2452559). Invitae Evidence Modeling of protein sequence and biophysical properties (such as structural, functional, and spatial information, amino acid conservation, physicochemical variation, residue mobility, and thermodynamic stability) indicates that this missense variant is not expected to disrupt BLM protein function with a negative predictive value of 80%. In summary, the available evidence is currently insufficient to determine the role of this variant in disease. Therefore, it has been classified as a Variant of Uncertain Significance.

Ambry Genetics
Classification: Uncertain significance for Hereditary cancer-predisposing syndrome. Last evaluated: 2023-02-03. Review status: criteria provided, single submitter. Criteria: Ambry Variant Classification Scheme 2023. Collection method: clinical testing. Allele origin: germline.
Comment: The p.G478E variant (also known as c.1433G>A), located in coding exon 6 of the BLM gene, results from a G to A substitution at nucleotide position 1433. The glycine at codon 478 is replaced by glutamic acid, an amino acid with similar properties. This amino acid position is conserved. In addition, this alteration is predicted to be tolerated by in silico analysis. Since supporting evidence is limited at this time, the clinical significance of this alteration remains unclear.

NM_000057.4(BLM):c.1433G>A (p.Gly478Glu)

Gene: BLM (BLM RecQ like helicase; plus strand). Cytogenetic location: 15q26.1.
Variant type: single nucleotide variant.
Coding change: c.1433G>A on transcript NM_000057.4 (MANE Select); coding-DNA position 1433, G replaced by A.
Protein change: p.Gly478Glu; replaces glycine 478 with glutamic acid.
Molecular consequence: missense variant.
Genome position (GRCh38, 1-based): chr15:90,760,806, G>A. VCF-style: chr15-90760806-G-A. GRCh37 (hg19) VCF-style: chr15-91304036-G-A.
Other names: c.1433G>A, p.Gly478Glu (NM_001287246.2, NM_001287247.2); c.308G>A, p.Gly103Glu (NM_001287248.2); short protein forms G478E, G103E.
Identifiers: ClinVar variation 2452559 (VCV002452559.3), dbSNP rs759810567, ClinGen allele CA393843046.
Genomic context (GRCh38, chr15:90,760,806, plus strand): 5'-TTCCCTCAAATTCTGTTTCTCCTGGGGACTGTTTACTGACTACCACCCTAGGAAAGACAG[G>A]ATTCTCTGCCACCAGGAAGAATCTTTTTGAAAGGCCTTTATTCAATACCCATTTACAGAA-3'
Protein context (NP_000048.1, residues 468-488): CLLTTTLGKT[Gly478Glu]FSATRKNLFE